The following is an entry in ClinVar:

NM_002834.5(PTPN11):c.1033G>A (p.Val345Met)

Gene: PTPN11 (protein tyrosine phosphatase non-receptor type 11; plus strand). Cytogenetic location: 12q24.13.
Variant type: single nucleotide variant.
Coding change: c.1033G>A on transcript NM_002834.5 (MANE Select); coding-DNA position 1033, G replaced by A.
Protein change: p.Val345Met; replaces valine 345 with methionine.
Molecular consequence: missense variant.
Genome position (GRCh38, 1-based): chr12:112,477,956, G>A. VCF-style: chr12-112477956-G-A. GRCh37 (hg19) VCF-style: chr12-112915760-G-A.
Other names: c.1033G>A, p.Val345Met (NM_001330437.2, NM_080601.3); c.1030G>A, p.Val344Met (NM_001374625.1); short protein forms V344M, V345M.
Identifiers: ClinVar variation 4614770 (VCV004614770.1).

ClinVar aggregate classification (germline): Uncertain significance (1 of 4 stars; one submission).

Conditions:
Cardiovascular phenotype. Identifiers: MedGen CN230736.

gnomAD v4.1: 1 of 1,614,048 alleles (0.000062%); highest among the groups gnomAD compares: African/African-American, 0.0013%; no homozygotes.

Submission:

Ambry Genetics
Classification: Uncertain significance for Cardiovascular phenotype. Last evaluated: 2025-10-23. Review status: criteria provided, single submitter. Criteria: Ambry Variant Classification Scheme 2023. Collection method: clinical testing. Allele origin: germline.
Comment: The p.V345M variant (also known as c.1033G>A), located in coding exon 9 of the PTPN11 gene, results from a G to A substitution at nucleotide position 1033. The valine at codon 345 is replaced by methionine, an amino acid with highly similar properties. This amino acid position is conserved. In addition, this alteration is predicted to be deleterious by in silico analysis. Based on the available evidence, the clinical significance of this variant remains unclear.